The following is an entry in ClinVar:

NM_022436.3(ABCG5):c.751C>G (p.Gln251Glu)

Genes: ABCG5 (ATP binding cassette subfamily G member 5; minus strand), DYNC2LI1 (dynein cytoplasmic 2 light intermediate chain 1; plus strand). Cytogenetic location: 2p21.
Variant type: single nucleotide variant.
Coding change: c.751C>G on transcript NM_022436.3 (MANE Select); coding-DNA position 751, C replaced by G.
Protein change: p.Gln251Glu; replaces glutamine 251 with glutamic acid.
Molecular consequence: missense variant. On other transcripts: intron variant (2).
Genome position (GRCh38, 1-based): chr2:43,826,405, G>C on the plus strand (C>G on the coding strand, the complement: ABCG5 is on the minus strand). VCF-style: chr2-43826405-G-C. GRCh37 (hg19) VCF-style: chr2-44053544-G-C.
Other names: c.*16-981G>C (NM_001348913.2, NM_001348912.2); short protein forms Q251E.
Identifiers: ClinVar variation 594717 (VCV000594717.7), dbSNP rs140111105, ClinGen allele CA346666245.

ClinVar aggregate classification (germline): Uncertain significance. Review status: criteria provided, multiple submitters, no conflicts (2 of 4 stars). 2 submissions from 2 submitters: Uncertain significance (2). Last evaluated 2025-12-29.

Conditions:
Sitosterolemia (STSL). Also called: PHYTOSTEROLEMIA. Identifiers: Orphanet 2882, MedGen C0342907, MONDO:0008863.

gnomAD v4.1: 1 of 1,614,090 alleles (0.000062%); highest among the groups gnomAD compares: African/African-American, 0.0013%; no homozygotes.

Submissions (2):

Labcorp Genetics (formerly Invitae), Labcorp
Classification: Uncertain significance for Sitosterolemia. Last evaluated: 2025-12-29. Review status: criteria provided, single submitter. Criteria: Invitae Variant Classification Sherloc (09022015). Collection method: clinical testing. Allele origin: germline.
Comment: This sequence change replaces glutamine, which is neutral and polar, with glutamic acid, which is acidic and polar, at codon 251 of the ABCG5 protein (p.Gln251Glu). This variant is not present in population databases (gnomAD no frequency). This variant has not been reported in the literature in individuals affected with ABCG5-related conditions. ClinVar contains an entry for this variant (Variation ID: 594717). An algorithm developed to predict the effect of missense changes on protein structure and function (PolyPhen-2) suggests that this variant is likely to be disruptive. In summary, the available evidence is currently insufficient to determine the role of this variant in disease. Therefore, it has been classified as a Variant of Uncertain Significance.

Eurofins Ntd Llc (ga)
Classification: Uncertain significance. Last evaluated: 2017-10-25. Review status: criteria provided, single submitter. Criteria: EGL Classification Definitions 2015. Collection method: clinical testing. Allele origin: germline. Observed: 1 variant allele, 1 heterozygote.